The following is an entry in ClinVar:

ClinVar aggregate classification (germline): Uncertain significance. Review status: criteria provided, multiple submitters, no conflicts (2 of 4 stars). 3 submissions from 3 submitters: Uncertain significance (3). Last evaluated 2025-09-11.

Conditions:
Hypertrophic cardiomyopathy. Also called: HYPERTROPHIC MYOCARDIOPATHY. Identifiers: Orphanet 217569, MedGen C0007194, MeSH D002312, MONDO:0005045, HP:0001639.
Cardiomyopathy (CMYO). Also called: Cardiomyopathies. Identifiers: Orphanet 167848, MedGen C0878544, MONDO:0004994, HP:0001638. Inheritance: Various modes of inheritance.

Allele frequency attached by ClinVar (database versions not stated): gnomAD exomes below 0.00001.
gnomAD v4.1: 2 of 1,614,030 alleles (0.00012%); highest among the groups gnomAD compares: Non-Finnish European, 0.00017%; no homozygotes.

Submissions (3):

Color Diagnostics, LLC DBA Color Health
Classification: Uncertain significance for Cardiomyopathy. Last evaluated: 2025-09-11. Review status: criteria provided, single submitter. Criteria: ACMG Guidelines, 2015. Collection method: clinical testing. Allele origin: germline.
Comment: This missense variant replaces alanine with serine at codon 741 of the MYBPC3 protein. Computational prediction suggests that this variant may not impact protein structure and function. To our knowledge, functional studies have not been reported for this variant. This variant has been reported in an individual affected with hypertrophic cardiomyopathy (PMID: 32841044). This variant has been identified in 1/249082 chromosomes in the general population by the Genome Aggregation Database (gnomAD). The available evidence is insufficient to determine the role of this variant in disease conclusively. Therefore, this variant is classified as a Variant of Uncertain Significance.

Labcorp Genetics (formerly Invitae), Labcorp
Classification: Uncertain significance for Hypertrophic cardiomyopathy. Last evaluated: 2024-06-24. Review status: criteria provided, single submitter. Criteria: Invitae Variant Classification Sherloc (09022015). Collection method: clinical testing. Allele origin: germline.
Comment: This sequence change replaces alanine, which is neutral and non-polar, with serine, which is neutral and polar, at codon 741 of the MYBPC3 protein (p.Ala741Ser). This variant is present in population databases (no rsID available, gnomAD 0.0009%). This missense change has been observed in individual(s) with MYBPC3-related conditions (PMID: 33782553). An algorithm developed to predict the effect of missense changes on protein structure and function (PolyPhen-2) suggests that this variant is likely to be disruptive. In summary, the available evidence is currently insufficient to determine the role of this variant in disease. Therefore, it has been classified as a Variant of Uncertain Significance.

All of Us Research Program, National Institutes of Health
Classification: Uncertain significance for Hypertrophic cardiomyopathy. Last evaluated: 2023-05-04. Review status: criteria provided, single submitter. Criteria: ACMG Guidelines, 2015. Collection method: clinical testing. Allele origin: germline. Inheritance: Autosomal dominant inheritance. Observed: 1 variant allele, 1 heterozygote.
Comment: This missense variant replaces alanine with serine at codon 741 of the MYBPC3 protein. Computational prediction suggests that this variant may not impact protein structure and function (internally defined REVEL score threshold <= 0.5, PMID: 27666373). To our knowledge, functional studies have not been reported for this variant. This variant has been reported in an individual affected with hypertrophic cardiomyopathy (PMID: 32841044). This variant has been identified in 1/249082 chromosomes in the general population by the Genome Aggregation Database (gnomAD). The available evidence is insufficient to determine the role of this variant in disease conclusively. Therefore, this variant is classified as a Variant of Uncertain Significance.

This study involves interpretation of variants in research participants for the purpose of population health screening. Participant phenotype was not available at the time of variant classification. Additional details can be found in publication PMID: 35346344, PMCID: PMC8962531

Literature cited by the submitters: PubMed 32841044 (cited by Color Diagnostics, LLC DBA Color Health and All of Us Research Program, National Institutes of Health); PubMed 33782553 (cited by Labcorp Genetics (formerly Invitae), Labcorp).

NM_000256.3(MYBPC3):c.2221G>T (p.Ala741Ser)

Gene: MYBPC3 (myosin binding protein C3; minus strand). Cytogenetic location: 11p11.2.
Variant type: single nucleotide variant.
Coding change: c.2221G>T on transcript NM_000256.3 (MANE Select); coding-DNA position 2221, G replaced by T.
Protein change: p.Ala741Ser; replaces alanine 741 with serine.
Molecular consequence: missense variant.
Genome position (GRCh38, 1-based): chr11:47,338,607, C>A on the plus strand (G>T on the coding strand, the complement: MYBPC3 is on the minus strand). VCF-style: chr11-47338607-C-A. GRCh37 (hg19) VCF-style: chr11-47360158-C-A.
Other names: short protein forms A741S.
Identifiers: ClinVar variation 3070655 (VCV003070655.4), dbSNP rs1307357658, ClinGen allele CA380320380.